The following is an entry in ClinVar:

NM_001384361.1(PMEL):c.1527A>C (p.Ala509=)

Gene: PMEL (premelanosome protein; minus strand). Cytogenetic location: 12q13.2.
Variant type: single nucleotide variant.
Coding change: c.1527A>C on transcript NM_001384361.1 (MANE Select); coding-DNA position 1527, A replaced by C.
Protein change: p.Ala509=; no amino-acid change (alanine 509 retained).
Molecular consequence: synonymous variant.
Genome position (GRCh38, 1-based): chr12:55,955,808, T>G on the plus strand (A>C on the coding strand, the complement: PMEL is on the minus strand). VCF-style: chr12-55955808-T-G. GRCh37 (hg19) VCF-style: chr12-56349592-T-G.
Other names: c.1269A>C, p.Ala423= (NM_001200053.1); c.1527A>C, p.Ala509= (NM_001200054.1, NM_006928.5); c.1401A>C, p.Ala467= (NM_001320121.1, NM_001320122.1).
Identifiers: ClinVar variation 4981514 (VCV004981514.1).

ClinVar aggregate classification (germline): Likely benign (1 of 4 stars; one submission).

Conditions:
PMEL-related disorder. Also called: PMEL-related condition.

Submission:

PreventionGenetics, part of Exact Sciences
Classification: Likely benign for PMEL-related condition. Last evaluated: 2026-08-21. Review status: criteria provided, single submitter. Criteria: ACMG Guidelines, 2015. Collection method: clinical testing. Allele origin: germline.
Comment: This variant is classified as likely benign based on ACMG/AMP sequence variant interpretation guidelines (Richards et al. 2015 PMID: 25741868, with internal and published modifications).